The following is an entry in ClinVar:

ClinVar aggregate classification (germline): Uncertain significance (1 of 4 stars; one submission).

Conditions:
Mitochondrial complex I deficiency, nuclear type 6. Also called: Mitochondrial complex 1 deficiency, nuclear type 6. Identifiers: MedGen C4748759, MONDO:0032611, OMIM 618228.

Submission:

MGZ Medical Genetics Center
Classification: Uncertain significance for Mitochondrial complex I deficiency, nuclear type 6. Last evaluated: 2022-08-08. Review status: criteria provided, single submitter. Criteria: ACMG Guidelines, 2015. Collection method: clinical testing. Allele origin: germline. Affected: yes. Observed: 1 variant allele.
Comment: ACMG criteria applied: PM2_SUP, PP3

NM_001377299.1(NDUFS2):c.860G>A (p.Gly287Asp)

Gene: NDUFS2 (NADH:ubiquinone oxidoreductase core subunit S2; plus strand). Cytogenetic location: 1q23.3.
Variant type: single nucleotide variant.
Coding change: c.860G>A on transcript NM_001377299.1 (MANE Select); coding-DNA position 860, G replaced by A.
Protein change: p.Gly287Asp; replaces glycine 287 with aspartic acid.
Molecular consequence: missense variant. On other transcripts: non-coding transcript variant (1).
Genome position (GRCh38, 1-based): chr1:161,210,383, G>A. VCF-style: chr1-161210383-G-A. GRCh37 (hg19) VCF-style: chr1-161180173-G-A.
Other names: c.860G>A, p.Gly287Asp (NM_001166159.2, NM_001377298.1, NM_001377300.1 and 3 more transcripts); c.782G>A, p.Gly261Asp (NM_001410889.1); short protein forms G261D, G287D.
Identifiers: ClinVar variation 1709667 (VCV001709667.2), dbSNP rs2525707553, ClinGen allele CA343381087.
Genomic context (GRCh38, chr1:161,210,383, plus strand): 5'-TCTGGCGAAATCGGACAATTGACATTGGGGTTGTAACAGCAGAAGAAGCACTTAACTATG[G>A]TTTTAGGTGAGGGGAATACAACTTCTCTCCGTAGGAGTGGGGGTGGGAGTGGGGGAGTTC-3'
Protein context (NP_001364228.1, residues 277-297): VVTAEEALNY[Gly287Asp]FSGVMLRGSG